The following is an entry in ClinVar:

NM_000094.4(COL7A1):c.5092G>A (p.Glu1698Lys)

Gene: COL7A1 (collagen type VII alpha 1 chain; minus strand). Cytogenetic location: 3p21.31.
Variant type: single nucleotide variant.
Coding change: c.5092G>A on transcript NM_000094.4 (MANE Select); coding-DNA position 5092, G replaced by A.
Protein change: p.Glu1698Lys; replaces glutamic acid 1698 with lysine.
Molecular consequence: missense variant.
Genome position (GRCh38, 1-based): chr3:48,580,305, C>T on the plus strand (G>A on the coding strand, the complement: COL7A1 is on the minus strand). VCF-style: chr3-48580305-C-T. GRCh37 (hg19) VCF-style: chr3-48617738-C-T.
Other names: c.5092G>A (NM_000094.3); short protein forms E1698K.
Identifiers: ClinVar variation 1424817 (VCV001424817.6), dbSNP rs2044652657, ClinGen allele CA352678706.
Genomic context (GRCh38, chr3:48,580,305, plus strand): 5'-GCAGCGCCAGGGGACCCTCCATCCCTTCTGAGCCCAGGACACCAGCCCTACTCACCGGCT[C>T]CCCACGGTCACCCTTGGGTCCAGATGATCCAGGGCTGCCCTGCAGAAAGGCAGGGGTCAG-3'
Protein context (NP_000085.1, residues 1688-1708): GSSGPKGDRG[Glu1698Lys]PGPPGPPGRL

ClinVar aggregate classification (germline): Uncertain significance. Review status: criteria provided, multiple submitters, no conflicts (2 of 4 stars). 2 submissions from 2 submitters: Uncertain significance (2). Last evaluated 2025-12-10.

Conditions:
Inborn genetic diseases. Identifiers: MedGen C0950123, MeSH D030342.

Allele frequency attached by ClinVar (database versions not stated): gnomAD 0.00004 and 0.00005; TOPMed 0.00005.
gnomAD v4.1: 10 of 1,610,316 alleles (0.00062%); highest among the groups gnomAD compares: Admixed American, 0.01%; no homozygotes.

Submissions (2):

Labcorp Genetics (formerly Invitae), Labcorp
Classification: Uncertain significance. Last evaluated: 2025-12-10. Review status: criteria provided, single submitter. Criteria: Invitae Variant Classification Sherloc (09022015). Collection method: clinical testing. Allele origin: germline.
Comment: This sequence change replaces glutamic acid, which is acidic and polar, with lysine, which is basic and polar, at codon 1698 of the COL7A1 protein (p.Glu1698Lys). This variant is not present in population databases (gnomAD no frequency). This variant has not been reported in the literature in individuals affected with COL7A1-related conditions. ClinVar contains an entry for this variant (Variation ID: 1424817). Invitae Evidence Modeling of protein sequence and biophysical properties (such as structural, functional, and spatial information, amino acid conservation, physicochemical variation, residue mobility, and thermodynamic stability) has been performed for this missense variant. However, the output from this modeling did not meet the statistical confidence thresholds required to predict the impact of this variant on COL7A1 protein function. In summary, the available evidence is currently insufficient to determine the role of this variant in disease. Therefore, it has been classified as a Variant of Uncertain Significance.

Ambry Genetics
Classification: Uncertain significance for Inborn genetic diseases. Last evaluated: 2025-04-03. Review status: criteria provided, single submitter. Criteria: Ambry Variant Classification Scheme 2023. Collection method: clinical testing. Allele origin: germline.